The following is an entry in ClinVar:

ClinVar aggregate classification (germline): Uncertain significance (1 of 4 stars; one submission).

Submission:

Labcorp Genetics (formerly Invitae), Labcorp
Classification: Uncertain significance. Last evaluated: 2025-05-08. Review status: criteria provided, single submitter. Criteria: Invitae Variant Classification Sherloc (09022015). Collection method: clinical testing. Allele origin: germline.
Comment: This sequence change replaces serine, which is neutral and polar, with proline, which is neutral and non-polar, at codon 549 of the OPA1 protein (p.Ser549Pro). This variant is not present in population databases (gnomAD no frequency). This variant has not been reported in the literature in individuals affected with OPA1-related conditions. Invitae Evidence Modeling of protein sequence and biophysical properties (such as structural, functional, and spatial information, amino acid conservation, physicochemical variation, residue mobility, and thermodynamic stability) indicates that this missense variant is expected to disrupt OPA1 protein function with a positive predictive value of 80%. In summary, the available evidence is currently insufficient to determine the role of this variant in disease. Therefore, it has been classified as a Variant of Uncertain Significance.

NM_130837.3(OPA1):c.1810T>C (p.Ser604Pro)

Genes: OPA1 (OPA1 mitochondrial dynamin like GTPase; plus strand), LOC126806913 (BRD4-independent group 4 enhancer GRCh37_chr3:193364377-193365576; plus strand). Cytogenetic location: 3q29.
Variant type: single nucleotide variant.
Coding change: c.1810T>C on transcript NM_130837.3 (MANE Select); coding-DNA position 1810, T replaced by C.
Protein change: p.Ser604Pro; replaces serine 604 with proline.
Molecular consequence: missense variant.
Genome position (GRCh38, 1-based): chr3:193,647,120, T>C. VCF-style: chr3-193647120-T-C. GRCh37 (hg19) VCF-style: chr3-193364909-T-C.
Other names: c.1276T>C, p.Ser426Pro (NM_001354663.2); c.1273T>C, p.Ser425Pro (NM_001354664.2); c.1645T>C, p.Ser549Pro (NM_015560.3); c.1537T>C, p.Ser513Pro (NM_130831.3); c.1591T>C, p.Ser531Pro (NM_130832.3); c.1648T>C, p.Ser550Pro (NM_130833.3); c.1699T>C, p.Ser567Pro (NM_130834.3); c.1702T>C, p.Ser568Pro (NM_130835.3); and 1 more; short protein forms S513P, S550P, S531P, S549P, S568P, S586P, S426P, S604P.
Identifiers: ClinVar variation 4742068 (VCV004742068.1).